The following is an entry in ClinVar:

ClinVar aggregate classification (germline): Uncertain significance. Review status: criteria provided, multiple submitters, no conflicts (2 of 4 stars). 3 submissions from 3 submitters: Uncertain significance (3). Last evaluated 2025-06-29.

Conditions:
Inborn genetic diseases. Identifiers: MedGen C0950123, MeSH D030342.

gnomAD v4.1: 7 of 1,112,304 alleles (0.00063%); highest among the groups gnomAD compares: Admixed American, 0.025%; no homozygotes.

Submissions (3):

Labcorp Genetics (formerly Invitae), Labcorp
Classification: Uncertain significance. Last evaluated: 2025-06-29. Review status: criteria provided, single submitter. Criteria: Invitae Variant Classification Sherloc (09022015). Collection method: clinical testing. Allele origin: germline.
Comment: This sequence change replaces arginine, which is basic and polar, with leucine, which is neutral and non-polar, at codon 935 of the GRIN2D protein (p.Arg935Leu). The frequency data for this variant in the population databases is considered unreliable, as metrics indicate insufficient coverage at this position in the gnomAD database. This variant has not been reported in the literature in individuals affected with GRIN2D-related conditions. ClinVar contains an entry for this variant (Variation ID: 1523348). Invitae Evidence Modeling of protein sequence and biophysical properties (such as structural, functional, and spatial information, amino acid conservation, physicochemical variation, residue mobility, and thermodynamic stability) indicates that this missense variant is not expected to disrupt GRIN2D protein function with a negative predictive value of 95%. In summary, the available evidence is currently insufficient to determine the role of this variant in disease. Therefore, it has been classified as a Variant of Uncertain Significance.

Ambry Genetics
Classification: Uncertain significance for Inborn genetic diseases. Last evaluated: 2023-12-28. Review status: criteria provided, single submitter. Criteria: Ambry Variant Classification Scheme 2023. Collection method: clinical testing. Allele origin: germline.

Blueprint Genetics
Classification: Uncertain significance. Last evaluated: 2022-07-15. Review status: criteria provided, single submitter. Criteria: ACMG Guidelines, 2015. Collection method: clinical testing. Allele origin: germline.

NM_000836.4(GRIN2D):c.2804G>T (p.Arg935Leu)

Gene: GRIN2D (glutamate ionotropic receptor NMDA type subunit 2D; plus strand). Cytogenetic location: 19q13.33.
Variant type: single nucleotide variant.
Coding change: c.2804G>T on transcript NM_000836.4 (MANE Select); coding-DNA position 2804, G replaced by T.
Protein change: p.Arg935Leu; replaces arginine 935 with leucine.
Molecular consequence: missense variant.
Genome position (GRCh38, 1-based): chr19:48,442,730, G>T. VCF-style: chr19-48442730-G-T. GRCh37 (hg19) VCF-style: chr19-48945987-G-T.
Other names: c.2804G>T (NM_000836.2); short protein forms R935L.
Identifiers: ClinVar variation 1523348 (VCV001523348.10), dbSNP rs1971314422, ClinGen allele CA406673768.